The following is an entry in ClinVar:

ClinVar aggregate classification (germline): Uncertain significance (1 of 4 stars; one submission).

Conditions:
Autosomal recessive limb-girdle muscular dystrophy type 2A (LGMDR1). Also called: Muscular dystrophy, limb-girdle, type 2A, Amish; LEYDEN-MOEBIUS MUSCULAR DYSTROPHY; MUSCULAR DYSTROPHY, PELVOFEMORAL; Limb-girdle muscular dystrophy, type 2A; Calpainopathy. Identifiers: Orphanet 267, MedGen C1869123, MONDO:0009675, OMIM 253600. Disease mechanism: loss of function.

Submission:

Labcorp Genetics (formerly Invitae), Labcorp
Classification: Uncertain significance for Autosomal recessive limb-girdle muscular dystrophy type 2A. Last evaluated: 2025-11-28. Review status: criteria provided, single submitter. Criteria: Invitae Variant Classification Sherloc (09022015). Collection method: clinical testing. Allele origin: germline.
Comment: This sequence change replaces glutamine, which is neutral and polar, with arginine, which is basic and polar, at codon 565 of the CAPN3 protein (p.Gln565Arg). This variant is not present in population databases (gnomAD no frequency). This variant has not been reported in the literature in individuals affected with CAPN3-related conditions. Invitae Evidence Modeling of protein sequence and biophysical properties (such as structural, functional, and spatial information, amino acid conservation, physicochemical variation, residue mobility, and thermodynamic stability) indicates that this missense variant is not expected to disrupt CAPN3 protein function with a negative predictive value of 80%. In summary, the available evidence is currently insufficient to determine the role of this variant in disease. Therefore, it has been classified as a Variant of Uncertain Significance.

NM_000070.3(CAPN3):c.1694A>G (p.Gln565Arg)

Gene: CAPN3 (calpain 3; plus strand). Cytogenetic location: 15q15.1.
Variant type: single nucleotide variant.
Coding change: c.1694A>G on transcript NM_000070.3 (MANE Select); coding-DNA position 1694, A replaced by G.
Protein change: p.Gln565Arg; replaces glutamine 565 with arginine.
Molecular consequence: missense variant.
Genome position (GRCh38, 1-based): chr15:42,402,951, A>G. VCF-style: chr15-42402951-A-G. GRCh37 (hg19) VCF-style: chr15-42695149-A-G.
Other names: c.1694A>G, p.Gln565Arg (NM_024344.2); c.1550A>G, p.Gln517Arg (NM_173087.2); c.158A>G, p.Gln53Arg (NM_173088.2); short protein forms Q517R, Q53R, Q565R.
Identifiers: ClinVar variation 4719372 (VCV004719372.1).